The following is an entry in ClinVar:

ClinVar aggregate classification (germline): Conflicting classifications of pathogenicity. Review status: criteria provided, conflicting classifications (1 of 4 stars). 6 submissions from 6 submitters: Uncertain significance (1); Benign (1); Likely benign (3). 1 of the submissions does not count toward it. Last evaluated 2026-07-01.

Conditions:
DIS3L2-related disorder. Also called: DIS3L2-related condition.
Perlman syndrome (PRLMNS). Identifiers: Orphanet 2849, MedGen C0796113, MONDO:0009965, OMIM 267000.

Allele frequency attached by ClinVar (database versions not stated): gnomAD exomes 0.00006; gnomAD 0.00007 and 0.00010; ExAC 0.00008; ESP Exome Variant Server 0.00008; TOPMed 0.00008; 1000 Genomes Project 30x 0.00047; 1000 Genomes Project 0.00080.
gnomAD v4.1: 106 of 1,612,922 alleles (0.0066%); highest among the groups gnomAD compares: Middle Eastern, 0.12%; no homozygotes.

Submissions (6):

CeGaT Center for Human Genetics Tuebingen
Classification: Likely benign. Last evaluated: 2026-07-01. Review status: criteria provided, single submitter. Criteria: CeGaT Center For Human Genetics Tuebingen Variant Classification Criteria Version 2. Collection method: clinical testing. Allele origin: germline. Affected: yes. Observed: 4 variant alleles.
Comment: DIS3L2: BP4, BP7

Labcorp Genetics (formerly Invitae), Labcorp
Classification: Benign for Perlman syndrome. Last evaluated: 2026-01-05. Review status: criteria provided, single submitter. Criteria: Invitae Variant Classification Sherloc (09022015). Collection method: clinical testing. Allele origin: germline.

Blueprint Genetics
Classification: Likely benign. Last evaluated: 2024-11-01. Review status: criteria provided, single submitter. Criteria: ACMG Guidelines, 2015. Collection method: clinical testing. Allele origin: germline.

Sema4
Classification: Likely benign for Perlman syndrome. Last evaluated: 2021-10-29. Review status: criteria provided, single submitter. Criteria: Sema4 Curation Guidelines. Collection method: curation. Allele origin: germline.

Illumina Laboratory Services, Illumina
Classification: Uncertain significance for Perlman syndrome. Last evaluated: 2018-01-13. Review status: criteria provided, single submitter. Criteria: ICSL Variant Classification Criteria 13 December 2019. Collection method: clinical testing. Allele origin: germline.

PreventionGenetics, part of Exact Sciences
Classification: Likely benign for DIS3L2-related condition. Last evaluated: 2024-09-27. Review status: no assertion criteria provided. Collection method: clinical testing. Allele origin: germline. Not counted in ClinVar's aggregate classification.
Comment: This variant is classified as likely benign based on ACMG/AMP sequence variant interpretation guidelines (Richards et al. 2015 PMID: 25741868, with internal and published modifications).

NM_152383.5(DIS3L2):c.2067C>T (p.Tyr689=)

Gene: DIS3L2 (DIS3 like 3'-5' exoribonuclease 2; plus strand). Cytogenetic location: 2q37.1.
Variant type: single nucleotide variant.
Coding change: c.2067C>T on transcript NM_152383.5 (MANE Select); coding-DNA position 2067, C replaced by T.
Protein change: p.Tyr689=; no amino-acid change (tyrosine 689 retained).
Molecular consequence: synonymous variant. On other transcripts: non-coding transcript variant (2), intron variant (1).
Genome position (GRCh38, 1-based): chr2:232,333,896, C>T. VCF-style: chr2-232333896-C-T. GRCh37 (hg19) VCF-style: chr2-233198606-C-T.
Other names: c.1582-9449C>T (NM_001257281.2).
Identifiers: ClinVar variation 241970 (VCV000241970.42), dbSNP rs186340144, ClinGen allele CA2164387.